The following is an entry in ClinVar:

ClinVar aggregate classification (germline): Conflicting classifications of pathogenicity. Review status: criteria provided, conflicting classifications (1 of 4 stars). 2 submissions from 2 submitters: Uncertain significance (1); Likely benign (1). Last evaluated 2024-11-21.

Allele frequency attached by ClinVar (database versions not stated): gnomAD 0.00001; ExAC 0.00005; ESP Exome Variant Server 0.00008.
gnomAD v4.1: 28 of 1,612,622 alleles (0.0017%); highest among the groups gnomAD compares: South Asian, 0.0099%; no homozygotes.

Submissions (2):

Ambry Genetics
Classification: Uncertain significance. Last evaluated: 2024-11-21. Review status: criteria provided, single submitter. Criteria: Ambry Variant Classification Scheme 2023. Collection method: clinical testing. Allele origin: germline.

CeGaT Center for Human Genetics Tuebingen
Classification: Likely benign. Last evaluated: 2023-08-01. Review status: criteria provided, single submitter. Criteria: CeGaT Center For Human Genetics Tuebingen Variant Classification Criteria Version 2. Collection method: clinical testing. Allele origin: germline. Affected: yes. Observed: 1 variant allele.
Comment: ATG2A: BP4

NM_015104.3(ATG2A):c.2989G>A (p.Val997Met)

Gene: ATG2A (autophagy related 2A; minus strand). Cytogenetic location: 11q13.1.
Variant type: single nucleotide variant.
Coding change: c.2989G>A on transcript NM_015104.3 (MANE Select); coding-DNA position 2989, G replaced by A.
Protein change: p.Val997Met; replaces valine 997 with methionine.
Molecular consequence: missense variant.
Genome position (GRCh38, 1-based): chr11:64,906,528, C>T on the plus strand (G>A on the coding strand, the complement: ATG2A is on the minus strand). VCF-style: chr11-64906528-C-T. GRCh37 (hg19) VCF-style: chr11-64674000-C-T.
Other names: c.2965G>A, p.Val989Met (NM_001367971.1, NM_001367972.1); c.2989G>A (NM_015104.2); short protein forms V989M, V997M.
Identifiers: ClinVar variation 2641939 (VCV002641939.25), dbSNP rs370733242, ClinGen allele CA6085678.